The following is an entry in ClinVar:

ClinVar aggregate classification (germline): Uncertain significance (1 of 4 stars; one submission).

Submission:

Labcorp Genetics (formerly Invitae), Labcorp
Classification: Uncertain significance. Last evaluated: 2021-11-22. Review status: criteria provided, single submitter. Criteria: Invitae Variant Classification Sherloc (09022015). Collection method: clinical testing. Allele origin: germline.
Comment: This variant is not present in population databases (gnomAD no frequency). This sequence change falls in intron 35 of the MPDZ gene. It does not directly change the encoded amino acid sequence of the MPDZ protein. This variant has not been reported in the literature in individuals affected with MPDZ-related conditions. Algorithms developed to predict the effect of sequence changes on RNA splicing suggest that this variant may disrupt the consensus splice site. In summary, the available evidence is currently insufficient to determine the role of this variant in disease. Therefore, it has been classified as a Variant of Uncertain Significance.

NM_001378778.1(MPDZ):c.4808-7_4808-2del

Gene: MPDZ (multiple PDZ domain crumbs cell polarity complex component; minus strand). Cytogenetic location: 9p23.
Variant type: Deletion.
Coding change: c.4808-7_4808-2del on transcript NM_001378778.1 (MANE Select); 7 bases into the intron before coding-DNA position 4808 through the canonical splice acceptor site of the intron before coding-DNA position 4808, 6 bases deleted (TTTTTA; older notation c.4808-7_4808-2delTTTTTA).
Molecular consequence: splice acceptor variant.
Genome position (GRCh38, 1-based): chr9:13,123,300-13,123,305, TAAAAA deleted on the plus strand (TTTTTA on the coding strand, the reverse complement: MPDZ is on the minus strand); deleting any 6 consecutive bases within chr9:13,123,300-13,123,308 gives the same sequence; the c. name uses the placement nearest the transcript's 3' end. VCF-style (leftmost placement, unchanged base first): chr9-13123299-CTAAAAA-C. GRCh37 (hg19) VCF-style: chr9-13123298-CTAAAAA-C.
Other names: c.4598-7_4598-2del (NM_001375425.1, NM_001375420.1, NM_001375423.1 and 4 more transcripts); c.4709-7_4709-2del (NM_001375419.1, NM_001375416.1, NM_001375418.1 and 3 more transcripts); c.4808-7_4808-2del (NM_001330637.2, NM_003829.5); c.4400-7_4400-2del (NM_001375427.1); c.4907-7_4907-2del (NM_001375413.1).
Identifiers: ClinVar variation 2123651 (VCV002123651.4), dbSNP rs1944642046, ClinGen allele CA1121450118.